The following is an entry in ClinVar:

ClinVar aggregate classification (germline): Uncertain significance. Review status: criteria provided, multiple submitters, no conflicts (2 of 4 stars). 3 submissions from 3 submitters: Uncertain significance (3). Last evaluated 2025-08-19.

Conditions:
Hereditary hemochromatosis (HFE). Identifiers: MedGen C0392514, MONDO:0006507. Disease mechanism: loss of function.
HFE-related disorder. Also called: HFE-related condition.

Allele frequency attached by ClinVar (database versions not stated): gnomAD exomes 0.00001; ExAC 0.00003; gnomAD 0.00015; TOPMed 0.00018.

Submissions (3):

PreventionGenetics, part of Exact Sciences
Classification: Uncertain significance for HFE-related condition. Last evaluated: 2025-08-19. Review status: criteria provided, single submitter. Criteria: ACMG Guidelines, 2015. Collection method: clinical testing. Allele origin: germline.
Comment: The HFE c.1015_1016insG variant is predicted to result in a frameshift and premature protein termination (p.Met339Serfs*8). To our knowledge, this variant has not been reported in the literature in a patient with an HFE related disorder. This variant is reported in 0.044% of alleles in individuals of African descent in gnomAD. At this time, the clinical significance of this variant is uncertain due to the absence of conclusive functional and genetic evidence.

GeneDx
Classification: Uncertain significance. Last evaluated: 2025-06-24. Review status: criteria provided, single submitter. Criteria: GeneDx Variant Classification Process June 2021. Collection method: clinical testing. Allele origin: germline. Affected: yes.
Comment: Frameshift variant predicted to result in abnormal protein length as the last 10 amino acids are replaced with 7 different amino acids; Has not been previously published as pathogenic or benign to our knowledge; This variant is associated with the following publications: (PMID: 36451132)

Labcorp Genetics (formerly Invitae), Labcorp
Classification: Uncertain significance for Hereditary hemochromatosis. Last evaluated: 2022-06-18. Review status: criteria provided, single submitter. Criteria: Invitae Variant Classification Sherloc (09022015). Collection method: clinical testing. Allele origin: germline.
Comment: This sequence change creates a premature translational stop signal (p.Met339Serfs*8) in the HFE gene. While this is not anticipated to result in nonsense mediated decay, it is expected to disrupt the last 10 amino acid(s) of the HFE protein. This variant is present in population databases (rs754949709, gnomAD 0.05%). This variant has not been reported in the literature in individuals affected with HFE-related conditions. In summary, the available evidence is currently insufficient to determine the role of this variant in disease. Therefore, it has been classified as a Variant of Uncertain Significance.

NM_000410.4(HFE):c.1015_1016insG (p.Met339fs)

Gene: HFE (homeostatic iron regulator; plus strand). Cytogenetic location: 6p22.2.
Variant type: Insertion.
Coding change: c.1015_1016insG on transcript NM_000410.4 (MANE Select); coding-DNA positions 1015 to 1016, G inserted.
Protein change: p.Met339fs; shifts the reading frame from methionine 339.
Molecular consequence: frameshift variant. On other transcripts: intron variant (2).
Genome position: GRCh38 VCF-style: chr6-26094194-A-AG. GRCh37 (hg19) VCF-style: chr6-26094422-A-AG.
Other names: c.1015_1016insG, p.Met339fs (NM_001384164.1); c.1006_1007insG, p.Met336fs (NM_001406751.1); c.697_698insG, p.Met233fs (NM_139003.3); c.739_740insG, p.Met247fs (NM_139004.3); c.973_974insG, p.Met325fs (NM_139006.3); c.751_752insG, p.Met251fs (NM_139007.3); c.709_710insG, p.Met237fs (NM_139008.3); c.946_947insG, p.Met316fs (NM_139009.3); and 4 more; short protein forms M159fs, M251fs, M67fs, M339fs, M233fs, M247fs, M316fs, M237fs.
Identifiers: ClinVar variation 2048531 (VCV002048531.3), dbSNP rs754949709, ClinGen allele CA3666815.